The following is an entry in ClinVar:

ClinVar aggregate classification (germline): Uncertain significance (1 of 4 stars; one submission).

Allele frequency attached by ClinVar (database versions not stated): TOPMed below 0.00001.
gnomAD v4.1: 5 of 1,598,624 alleles (0.00031%); highest among the groups gnomAD compares: South Asian, 0.0011%; no homozygotes.

Submission:

Labcorp Genetics (formerly Invitae), Labcorp
Classification: Uncertain significance. Last evaluated: 2025-05-27. Review status: criteria provided, single submitter. Criteria: Invitae Variant Classification Sherloc (09022015). Collection method: clinical testing. Allele origin: germline.
Comment: This sequence change affects codon 14 of the CARMIL2 mRNA. It is a 'silent' change, meaning that it does not change the encoded amino acid sequence of the CARMIL2 protein. This variant is not present in population databases (gnomAD no frequency). This variant has not been reported in the literature in individuals affected with CARMIL2-related conditions. ClinVar contains an entry for this variant (Variation ID: 1396051). Algorithms developed to predict the effect of sequence changes on RNA splicing suggest that this variant may create or strengthen a splice site. In summary, the available evidence is currently insufficient to determine the role of this variant in disease. Therefore, it has been classified as a Variant of Uncertain Significance.

NM_001013838.3(CARMIL2):c.42C>T (p.Gly14=)

Gene: CARMIL2 (capping protein regulator and myosin 1 linker 2; plus strand). Cytogenetic location: 16q22.1.
Variant type: single nucleotide variant.
Coding change: c.42C>T on transcript NM_001013838.3 (MANE Select); coding-DNA position 42, C replaced by T.
Protein change: p.Gly14=; no amino-acid change (glycine 14 retained).
Molecular consequence: synonymous variant.
Genome position (GRCh38, 1-based): chr16:67,645,541, C>T. VCF-style: chr16-67645541-C-T. GRCh37 (hg19) VCF-style: chr16-67679444-C-T.
Other names: c.42C>T, p.Gly14= (NM_001317026.3).
Identifiers: ClinVar variation 1396051 (VCV001396051.9), dbSNP rs1445840219, ClinGen allele CA495996422.